The following is an entry in ClinVar:

ClinVar aggregate classification (germline): Uncertain significance (1 of 4 stars; one submission).

Allele frequency attached by ClinVar (database versions not stated): TOPMed below 0.00001; gnomAD 0.00001.

Submission:

Labcorp Genetics (formerly Invitae), Labcorp
Classification: Uncertain significance. Last evaluated: 2023-05-01. Review status: criteria provided, single submitter. Criteria: Invitae Variant Classification Sherloc (09022015). Collection method: clinical testing. Allele origin: germline.
Comment: In summary, the available evidence is currently insufficient to determine the role of this variant in disease. Therefore, it has been classified as a Variant of Uncertain Significance. An algorithm developed to predict the effect of missense changes on protein structure and function (PolyPhen-2) suggests that this variant is likely to be disruptive. This variant has not been reported in the literature in individuals affected with IRF2BP2-related conditions. This variant is present in population databases (no rsID available, gnomAD 0.004%). This sequence change replaces phenylalanine, which is neutral and non-polar, with leucine, which is neutral and non-polar, at codon 321 of the IRF2BP2 protein (p.Phe321Leu).

NM_182972.3(IRF2BP2):c.963C>G (p.Phe321Leu)

Genes: IRF2BP2 (interferon regulatory factor 2 binding protein 2; minus strand), LOC129932810 (ATAC-STARR-seq lymphoblastoid active region 2760; plus strand). Cytogenetic location: 1q42.3.
Variant type: single nucleotide variant.
Coding change: c.963C>G on transcript NM_182972.3 (MANE Select); coding-DNA position 963, C replaced by G.
Protein change: p.Phe321Leu; replaces phenylalanine 321 with leucine.
Molecular consequence: missense variant.
Genome position (GRCh38, 1-based): chr1:234,608,532, G>C on the plus strand (C>G on the coding strand, the complement: IRF2BP2 is on the minus strand). VCF-style: chr1-234608532-G-C. GRCh37 (hg19) VCF-style: chr1-234744278-G-C.
Other names: c.963C>G, p.Phe321Leu (NM_001077397.1); short protein forms F321L.
Identifiers: ClinVar variation 3007522 (VCV003007522.3), dbSNP rs1390723044, ClinGen allele CA345307384.